The following is an entry in ClinVar:

ClinVar aggregate classification (germline): Uncertain significance. Review status: criteria provided, multiple submitters, no conflicts (2 of 4 stars). 2 submissions from 2 submitters: Uncertain significance (2). Last evaluated 2025-10-02.

Conditions:
Ataxia-telangiectasia syndrome (AT). Also called: ATAXIA-TELANGIECTASIA, COMPLEMENTATION GROUP A; ATAXIA-TELANGIECTASIA, FRESNO VARIANT; Ataxia-telangiectasia, complementation group E; Ataxia telangiectasia (A-T); LOUIS-BAR SYNDROME; Cerebello-oculocutaneous telangiectasia. Identifiers: Orphanet 100, MedGen C0004135, MONDO:0008840, OMIM 208900.
Hereditary cancer-predisposing syndrome. Also called: Neoplastic Syndromes, Hereditary; Hereditary Cancer Syndrome; Hereditary neoplastic syndrome; Tumor predisposition. Identifiers: Orphanet 140162, MedGen C0027672, MeSH D009386, MONDO:0015356.

Allele frequency attached by ClinVar (database versions not stated): gnomAD exomes below 0.00001.
gnomAD v4.1: 1 of 1,613,802 alleles (0.000062%); highest among the groups gnomAD compares: Non-Finnish European, 0.000085%; no homozygotes.

Submissions (2):

Ambry Genetics
Classification: Uncertain significance for Hereditary cancer-predisposing syndrome. Last evaluated: 2025-10-02. Review status: criteria provided, single submitter. Criteria: Ambry Variant Classification Scheme 2023. Collection method: clinical testing. Allele origin: germline.
Comment: The p.D1604G variant (also known as c.4811A>G), located in coding exon 31 of the ATM gene, results from an A to G substitution at nucleotide position 4811. The aspartic acid at codon 1604 is replaced by glycine, an amino acid with similar properties. In an assay testing ATM function, this variant showed a functionally normal result (Lee KS et al. Cell, 2025 Sep;188:5081-5099.e27). This amino acid position is well conserved in available vertebrate species. In addition, the in silico prediction for this alteration is inconclusive. Based on the available evidence, the clinical significance of this variant remains unclear.

Labcorp Genetics (formerly Invitae), Labcorp
Classification: Uncertain significance for Ataxia-telangiectasia syndrome. Last evaluated: 2023-12-17. Review status: criteria provided, single submitter. Criteria: Invitae Variant Classification Sherloc (09022015). Collection method: clinical testing. Allele origin: germline.
Comment: This sequence change replaces aspartic acid, which is acidic and polar, with glycine, which is neutral and non-polar, at codon 1604 of the ATM protein (p.Asp1604Gly). This variant is not present in population databases (gnomAD no frequency). This variant has not been reported in the literature in individuals affected with ATM-related conditions. ClinVar contains an entry for this variant (Variation ID: 825197). An algorithm developed to predict the effect of missense changes on protein structure and function (PolyPhen-2) suggests that this variant is likely to be disruptive. In summary, the available evidence is currently insufficient to determine the role of this variant in disease. Therefore, it has been classified as a Variant of Uncertain Significance.

Literature cited by the submitters: PubMed 40580951 (cited by Ambry Genetics).

NM_000051.4(ATM):c.4811A>G (p.Asp1604Gly)

Gene: ATM (ATM serine/threonine kinase; plus strand). Cytogenetic location: 11q22.3.
Variant type: single nucleotide variant.
Coding change: c.4811A>G on transcript NM_000051.4 (MANE Select); coding-DNA position 4811, A replaced by G.
Protein change: p.Asp1604Gly; replaces aspartic acid 1604 with glycine.
Molecular consequence: missense variant.
Genome position (GRCh38, 1-based): chr11:108,294,961, A>G. VCF-style: chr11-108294961-A-G. GRCh37 (hg19) VCF-style: chr11-108165688-A-G.
Other names: c.4811A>G, p.Asp1604Gly (NM_001351834.2); short protein forms D1604G.
Identifiers: ClinVar variation 825197 (VCV000825197.8), dbSNP rs1591684476, ClinGen allele CA382536585.
Genomic context (GRCh38, chr11:108,294,961, plus strand): 5'-AAAGCAAGTTACATTTTCTCTTTTAGGAAATTAACCATTTTCTCTCAGTAAGTGTTTATG[A>G]TGCACTTCCATTGACAAGACTTGAAGGACTAAAGGATCTTCGAAGACAACTGGAACTACA-3'
Protein context (NP_000042.3, residues 1594-1614): INHFLSVSVY[Asp1604Gly]ALPLTRLEGL